The following is an entry in ClinVar:

ClinVar aggregate classification (germline): Pathogenic (1 of 4 stars; one submission).

Conditions:
Inborn genetic diseases. Identifiers: MedGen C0950123, MeSH D030342.

Submission:

Ambry Genetics
Classification: Pathogenic for Inborn genetic diseases. Last evaluated: 2021-12-03. Review status: criteria provided, single submitter. Criteria: Ambry Variant Classification Scheme 2023. Collection method: clinical testing. Allele origin: germline.
Comment: The c.7401delT (p.A2468Lfs*22) alteration, located in exon 40 (coding exon 40) of the LRP2 gene, consists of a deletion of one nucleotide at position 7401, causing a translational frameshift with a predicted alternate stop codon after 22 amino acids. This alteration is expected to result in loss of function by premature protein truncation or nonsense-mediated mRNA decay. This variant was not reported in population-based cohorts in the Genome Aggregation Database (gnomAD). Based on the available evidence, this alteration is classified as pathogenic.

NM_004525.3(LRP2):c.7401del (p.Ala2468fs)

Gene: LRP2 (LDL receptor related protein 2; minus strand). Cytogenetic location: 2q31.1.
Variant type: Deletion.
Coding change: c.7401del on transcript NM_004525.3 (MANE Select); coding-DNA position 7401, one base deleted (T; older notation c.7401delT).
Protein change: p.Ala2468fs; shifts the reading frame from alanine 2468.
Molecular consequence: frameshift variant.
Genome position (GRCh38, 1-based): chr2:169,206,178, A deleted on the plus strand (T on the coding strand, the reverse complement: LRP2 is on the minus strand). VCF-style (leftmost placement, unchanged base first): chr2-169206177-CA-C. GRCh37 (hg19) VCF-style: chr2-170062687-CA-C.
Other names: short protein forms A2468fs.
Identifiers: ClinVar variation 2257773 (VCV002257773.2), dbSNP rs2545807345, ClinGen allele CA2580064861.
Genomic context (GRCh38, chr2:169,206,177, plus strand): 5'-GGTTGAGGTAGTCACTGTAATAAATTCTTCTAGTAATCCAGTCAAAGGCAATGCCATCAG[CA>C]GTCCCTATACCTGGACACATACAGGCAGACACACACACAAGCACACACAAAGACATTAGA-3'